The following is an entry in ClinVar:

ClinVar aggregate classification (germline): Uncertain significance (1 of 4 stars; one submission).

Conditions:
Neurofibromatosis, type 1 (NF1). Also called: Peripheral type neurofibromatosis; VON RECKLINGHAUSEN DISEASE; NEUROFIBROMATOSIS, TYPE I, SOMATIC; Neurofibromatosis, type I. Identifiers: Orphanet 636, MedGen C0027831, MONDO:0018975, OMIM 162200. Disease mechanism: loss of function.

Submission:

Labcorp Genetics (formerly Invitae), Labcorp
Classification: Uncertain significance for Neurofibromatosis, type 1. Last evaluated: 2019-09-05. Review status: criteria provided, single submitter. Criteria: Invitae Variant Classification Sherloc (09022015). Collection method: clinical testing. Allele origin: germline.
Comment: In summary, the available evidence is currently insufficient to determine the role of this variant in disease. Therefore, it has been classified as a Variant of Uncertain Significance. Algorithms developed to predict the effect of missense changes on protein structure and function are either unavailable or do not agree on the potential impact of this missense change (SIFT: "Tolerated"; PolyPhen-2: "Probably Damaging"; Align-GVGD: "Class C0"). This variant has not been reported in the literature in individuals with NF1-related conditions. This variant is not present in population databases (ExAC no frequency). This sequence change replaces valine with alanine at codon 759 of the NF1 protein (p.Val759Ala). The valine residue is moderately conserved and there is a small physicochemical difference between valine and alanine.

NM_001042492.3(NF1):c.2276T>C (p.Val759Ala)

Gene: NF1 (neurofibromin 1; plus strand). Cytogenetic location: 17q11.2.
Variant type: single nucleotide variant.
Coding change: c.2276T>C on transcript NM_001042492.3 (MANE Select); coding-DNA position 2276, T replaced by C.
Protein change: p.Val759Ala; replaces valine 759 with alanine.
Molecular consequence: missense variant.
Genome position (GRCh38, 1-based): chr17:31,227,242, T>C. VCF-style: chr17-31227242-T-C. GRCh37 (hg19) VCF-style: chr17-29554260-T-C.
Other names: c.2276T>C, p.Val759Ala (NM_000267.4); short protein forms V759A.
Identifiers: ClinVar variation 957032 (VCV000957032.6), dbSNP rs2067031096, ClinGen allele CA398982758.